The following is an entry in ClinVar:

ClinVar aggregate classification (germline): Pathogenic (1 of 4 stars; one submission).

Conditions:
Hereditary breast ovarian cancer syndrome. Also called: Hereditary breast and ovarian cancer syndrome (HBOC); Hereditary breast and/or ovarian cancer syndrome; Hereditary breast and ovarian cancer; BRCA1- and BRCA2-Associated Hereditary Breast and Ovarian Cancer; Hereditary breast and ovarian cancer syndrome; Breast and ovarian cancer. Identifiers: Orphanet 145, MedGen C0677776, MeSH D061325, MONDO:0003582. Disease mechanism: loss of function.

Submission:

Labcorp Genetics (formerly Invitae), Labcorp
Classification: Pathogenic for Hereditary breast ovarian cancer syndrome. Last evaluated: 2021-04-13. Review status: criteria provided, single submitter. Criteria: Invitae Variant Classification Sherloc (09022015). Collection method: clinical testing. Allele origin: germline.
Comment: For these reasons, this variant has been classified as Pathogenic. This variant disrupts the C-terminus of the BRCA2 protein. Other variant(s) that disrupt this region (p.Tyr3308*) have been determined to be pathogenic (PMID: 17026620, 18593900, 18607349, 22711857). This suggests that variants that disrupt this region of the protein are likely to be causative of disease. This variant has not been reported in the literature in individuals with BRCA2-related conditions. This variant is a gross deletion of the genomic region encompassing exons 11-27 of the BRCA2 gene. The 5' boundary is likely confined to intron 10. The 3' end of this event is unknown as it extends through the termination codon beyond the assayed region for this gene and may encompass additional genes. While this deletion is not anticipated to result in nonsense mediated decay, it is expected to create a truncated protein product or disrupt mRNA translation.

Literature cited by the submitters: PubMed 17026620; PubMed 18593900; PubMed 18607349; PubMed 22711857.

NC_000013.10:g.(?_32910382)_(32972907_?)del

Gene: BRCA2 (BRCA2 DNA repair associated; plus strand). Cytogenetic location: 13q13.1.
Variant type: Deletion.
Identifiers: ClinVar variation 1074101 (VCV001074101.9).